The following is an entry in ClinVar:

ClinVar aggregate classification (germline): Uncertain significance (1 of 4 stars; one submission).

Conditions:
Malignant hyperthermia, susceptibility to, 1 (MHS1). Also called: RYR1-Related Malignant Hyperthermia Susceptibility; Anesthesia related hyperthermia; Malignant hyperpyrexia; Fulminating hyperpyrexia; Pharmacogenic myopathy; Malignant hyperthermia suceptibility 1. Identifiers: Orphanet 423, MedGen C2930980, MONDO:0007783, OMIM 145600.

Allele frequency attached by ClinVar (database versions not stated): TOPMed below 0.00001; gnomAD 0.00001.

Submission:

All of Us Research Program, National Institutes of Health
Classification: Uncertain significance for Malignant hyperthermia, susceptibility to, 1. Last evaluated: 2023-06-08. Review status: criteria provided, single submitter. Criteria: ACMG Guidelines, 2015. Collection method: clinical testing. Allele origin: germline. Inheritance: Autosomal dominant inheritance. Observed: 2 variant alleles, 2 heterozygotes.
Comment: This missense variant replaces leucine with valine at codon 3606 of the RYR1 protein. Computational prediction is inconclusive regarding the impact of this variant on protein structure and function (internally defined REVEL score threshold 0.5 < inconclusive < 0.7, PMID: 27666373). To our knowledge, functional studies have not been reported for this variant. This variant has not been reported in individuals affected with RYR1-related disorders in the literature. This variant has not been identified in the general population by the Genome Aggregation Database (gnomAD). The available evidence is insufficient to determine the role of this variant in disease conclusively. Therefore, this variant is classified as a Variant of Uncertain Significance.

This study involves interpretation of variants in research participants for the purpose of population health screening. Participant phenotype was not available at the time of variant classification. Additional details can be found in publication PMID: 35346344, PMCID: PMC8962531

NM_000540.3(RYR1):c.10816C>G (p.Leu3606Val)

Gene: RYR1 (ryanodine receptor 1; plus strand). Cytogenetic location: 19q13.2.
Variant type: single nucleotide variant.
Coding change: c.10816C>G on transcript NM_000540.3 (MANE Select); coding-DNA position 10816, C replaced by G.
Protein change: p.Leu3606Val; replaces leucine 3606 with valine.
Molecular consequence: missense variant.
Genome position (GRCh38, 1-based): chr19:38,527,776, C>G. VCF-style: chr19-38527776-C-G. GRCh37 (hg19) VCF-style: chr19-39018416-C-G.
Other names: c.10801C>G, p.Leu3601Val (NM_001042723.2); short protein forms L3601V, L3606V.
Identifiers: ClinVar variation 3070175 (VCV003070175.1), dbSNP rs1269518202, ClinGen allele CA405647486.